The following is an entry in ClinVar:

ClinVar aggregate classification (germline): Uncertain significance (1 of 4 stars; one submission).

Conditions:
Cardiovascular phenotype. Identifiers: MedGen CN230736.

gnomAD v4.1: 3 of 1,613,916 alleles (0.00019%); highest among the groups gnomAD compares: South Asian, 0.0033%; no homozygotes.

Submission:

Ambry Genetics
Classification: Uncertain significance for Cardiovascular phenotype. Last evaluated: 2024-11-18. Review status: criteria provided, single submitter. Criteria: Ambry Variant Classification Scheme 2023. Collection method: clinical testing. Allele origin: germline.
Comment: The p.I2806M variant (also known as c.8418T>G), located in coding exon 33 of the AKAP9 gene, results from a T to G substitution at nucleotide position 8418. The isoleucine at codon 2806 is replaced by methionine, an amino acid with highly similar properties. This amino acid position is conserved. In addition, this alteration is predicted to be tolerated by in silico analysis. Based on the available evidence, the clinical significance of this variant remains unclear.

NM_005751.5(AKAP9):c.8418T>G (p.Ile2806Met)

Gene: AKAP9 (A-kinase anchoring protein 9; plus strand). Cytogenetic location: 7q21.2.
Variant type: single nucleotide variant.
Coding change: c.8418T>G on transcript NM_005751.5 (MANE Select); coding-DNA position 8418, T replaced by G.
Protein change: p.Ile2806Met; replaces isoleucine 2806 with methionine.
Molecular consequence: missense variant.
Genome position (GRCh38, 1-based): chr7:92,083,427, T>G. VCF-style: chr7-92083427-T-G. GRCh37 (hg19) VCF-style: chr7-91712741-T-G.
Other names: c.3063T>G, p.Ile1021Met (NM_001379277.1); c.8394T>G, p.Ile2798Met (NM_147185.3); short protein forms I2806M, I1021M, I2798M.
Identifiers: ClinVar variation 3517289 (VCV003517289.1).